The following is an entry in ClinVar:

NM_004119.3(FLT3):c.1337C>T (p.Ser446Leu)

Gene: FLT3 (fms related receptor tyrosine kinase 3; minus strand). Cytogenetic location: 13q12.2.
Variant type: single nucleotide variant.
Coding change: c.1337C>T on transcript NM_004119.3 (MANE Select); coding-DNA position 1337, C replaced by T.
Protein change: p.Ser446Leu; replaces serine 446 with leucine.
Molecular consequence: missense variant. On other transcripts: non-coding transcript variant (1).
Genome position (GRCh38, 1-based): chr13:28,036,016, G>A on the plus strand (C>T on the coding strand, the complement: FLT3 is on the minus strand). VCF-style: chr13-28036016-G-A. GRCh37 (hg19) VCF-style: chr13-28610153-G-A.
Other names: short protein forms S446L.
Identifiers: ClinVar variation 3047481 (VCV003047481.2), dbSNP rs201256911, ClinGen allele CA6928697.

ClinVar aggregate classification (germline): Likely benign (0 of 4 stars; one submission).

Conditions:
FLT3-related disorder. Also called: FLT3-related condition.

Allele frequency attached by ClinVar (database versions not stated): TOPMed 0.00005; gnomAD 0.00013; ExAC 0.00055; 1000 Genomes Project 30x 0.00125; 1000 Genomes Project 0.00140.
gnomAD v4.1: 327 of 1,614,010 alleles (0.02%); highest among the groups gnomAD compares: South Asian, 0.32%; 2 homozygotes.

Submission:

PreventionGenetics, part of Exact Sciences
Classification: Likely benign for FLT3-related condition. Last evaluated: 2022-10-07. Review status: no assertion criteria provided. Collection method: clinical testing. Allele origin: germline.
Comment: This variant is classified as likely benign based on ACMG/AMP sequence variant interpretation guidelines (Richards et al. 2015 PMID: 25741868, with internal and published modifications).